The following is an entry in ClinVar:

NM_005726.6(TSFM):c.473C>G (p.Ala158Gly)

Gene: TSFM (Ts translation elongation factor, mitochondrial; plus strand). Cytogenetic location: 12q14.1.
Variant type: single nucleotide variant.
Coding change: c.473C>G on transcript NM_005726.6 (MANE Select); coding-DNA position 473, C replaced by G.
Protein change: p.Ala158Gly; replaces alanine 158 with glycine.
Molecular consequence: missense variant.
Genome position (GRCh38, 1-based): chr12:57,787,152, C>G. VCF-style: chr12-57787152-C-G. GRCh37 (hg19) VCF-style: chr12-58180935-C-G.
Other names: c.473C>G, p.Ala158Gly (NM_001172697.2, NM_001172695.2, NM_001172696.2); short protein forms A158G.
Identifiers: ClinVar variation 4882755 (VCV004882755.2).
Genomic context (GRCh38, chr12:57,787,152, plus strand): 5'-TCCAGCAAGTAGCCCTTGGAACCATGATGCATTGTCAGACCCTAAAGGATCAACCCTCTG[C>G]ATACAGTAAAGTAAGTTTGGGATTTGTCTCCAGTGTGCTGAATTTGCTGTCCTCATTGGG-3'
Protein context (NP_005717.3, residues 148-168): HCQTLKDQPS[Ala158Gly]YSKGFLNSSE

ClinVar aggregate classification (germline): Uncertain significance (1 of 4 stars; one submission).

Submission:

Dasa
Classification: Uncertain significance. Last evaluated: 2025-10-13. Review status: criteria provided, single submitter. Criteria: DASA Assertion Criteria. Collection method: clinical testing. Allele origin: germline.
Comment: NM_005726.6(TSFM):c.473C>G (p.Ala158Gly) is a missense variant that results in the substitution of alanine with glycine. This variant is absent from population databases. Computational prediction algorithms are consistent with a benign effect. The currently available literature and clinical evidence are not sufficient to establish a definitive association between this variant and the reported condition. Therefore, this variant is classified as a variant of uncertain significance.